The following is an entry in ClinVar:

NM_001172303.3(MASTL):c.34G>C (p.Gly12Arg)

Gene: MASTL (microtubule associated serine/threonine kinase like; plus strand). Cytogenetic location: 10p12.1.
Variant type: single nucleotide variant.
Coding change: c.34G>C on transcript NM_001172303.3 (MANE Select); coding-DNA position 34, G replaced by C.
Protein change: p.Gly12Arg; replaces glycine 12 with arginine.
Molecular consequence: missense variant. On other transcripts: 5 prime UTR variant (2), non-coding transcript variant (1).
Genome position (GRCh38, 1-based): chr10:27,155,460, G>C. VCF-style: chr10-27155460-G-C. GRCh37 (hg19) VCF-style: chr10-27444389-G-C.
Other names: c.34G>C, p.Gly12Arg (NM_001172304.3, NM_001320756.2, NM_001320757.2 and 1 more transcripts); c.-570G>C (NM_001372029.1, NM_001372030.1); short protein forms G12R.
Identifiers: ClinVar variation 262123 (VCV000262123.10), dbSNP rs151176548, ClinGen allele CA5449877.

ClinVar aggregate classification (germline): Benign/Likely benign. Review status: criteria provided, multiple submitters, no conflicts (2 of 4 stars). 4 submissions from 4 submitters: Benign (2); Likely benign (2). Last evaluated 2018-04-10.

Conditions:
Thrombocytopenia. Identifiers: MedGen C0040034, MeSH D013921, MONDO:0002049, HP:0001873.

Allele frequency attached by ClinVar (database versions not stated): gnomAD exomes 0.00322 and 0.00195; 1000 Genomes Project 0.00439; ESP Exome Variant Server 0.00069; TOPMed 0.00087; gnomAD 0.00145 and 0.00072; 1000 Genomes Project 30x 0.00422; ExAC 0.00383.
gnomAD v4.1: 3,095 of 1,613,378 alleles (0.19%); highest among the groups gnomAD compares: South Asian, 1.9%; 44 homozygotes.

Submissions (4):

Labcorp Genetics (formerly Invitae), Labcorp
Classification: Benign. Last evaluated: 2018-04-10. Review status: criteria provided, single submitter. Criteria: Invitae Variant Classification Sherloc (09022015). Collection method: clinical testing. Allele origin: germline.

Illumina Laboratory Services, Illumina
Classification: Benign for Thrombocytopenia. Last evaluated: 2018-01-12. Review status: criteria provided, single submitter. Criteria: ICSL Variant Classification Criteria 13 December 2019. Collection method: clinical testing. Allele origin: germline.
Comment: This variant was observed in the ICSL laboratory as part of a predisposition screen in an ostensibly healthy population. It had not been previously curated by ICSL or reported in the Human Gene Mutation Database (HGMD: prior to June 1st, 2018), and was therefore a candidate for classification through an automated scoring system. Utilizing variant allele frequency, disease prevalence and penetrance estimates, and inheritance mode, an automated score was calculated to assess if this variant is too frequent to cause the disease. Based on the score and internal cut-off values, a variant classified as benign is not then subjected to further curation. The score for this variant resulted in a classification of benign for this disease.

Breakthrough Genomics
Classification: Likely benign. Review status: criteria provided, single submitter. Criteria: ACMG Guidelines, 2015. Collection method: not provided. Allele origin: germline. Inheritance: Unknown mechanism. Affected: yes.

PreventionGenetics, part of Exact Sciences
Classification: Likely benign. Review status: criteria provided, single submitter. Criteria: ACMG Guidelines, 2015. Collection method: clinical testing. Allele origin: germline.